The following is an entry in ClinVar:

NM_005334.3(HCFC1):c.2182G>T (p.Ala728Ser)

Gene: HCFC1 (host cell factor C1; minus strand). Cytogenetic location: Xq28.
Variant type: single nucleotide variant.
Coding change: c.2182G>T on transcript NM_005334.3 (MANE Select); coding-DNA position 2182, G replaced by T.
Protein change: p.Ala728Ser; replaces alanine 728 with serine.
Molecular consequence: missense variant.
Genome position (GRCh38, 1-based): chrX:153,957,485, C>A on the plus strand (G>T on the coding strand, the complement: HCFC1 is on the minus strand). VCF-style: chrX-153957485-C-A. GRCh37 (hg19) VCF-style: chrX-153222936-C-A.
Other names: c.2182G>T, p.Ala728Ser (NM_001410705.1); short protein forms A728S.
Identifiers: ClinVar variation 3368990 (VCV003368990.1).

ClinVar aggregate classification (germline): Uncertain significance (1 of 4 stars; one submission).

Submission:

GeneDx
Classification: Uncertain significance. Last evaluated: 2024-02-13. Review status: criteria provided, single submitter. Criteria: GeneDx Variant Classification Process June 2021. Collection method: clinical testing. Allele origin: germline. Affected: yes.
Comment: Not observed at significant frequency in large population cohorts (gnomAD); In silico analysis supports that this missense variant does not alter protein structure/function; Has not been previously published as pathogenic or benign to our knowledge